The following is an entry in ClinVar:

NM_000138.5(FBN1):c.432C>G (p.His144Gln)

Gene: FBN1 (fibrillin 1; minus strand). Cytogenetic location: 15q21.1.
Variant type: single nucleotide variant.
Coding change: c.432C>G on transcript NM_000138.5 (MANE Select); coding-DNA position 432, C replaced by G.
Protein change: p.His144Gln; replaces histidine 144 with glutamine.
Molecular consequence: missense variant.
Genome position (GRCh38, 1-based): chr15:48,600,149, G>C on the plus strand (C>G on the coding strand, the complement: FBN1 is on the minus strand). VCF-style: chr15-48600149-G-C. GRCh37 (hg19) VCF-style: chr15-48892346-G-C.
Other names: c.432C>G, p.His144Gln (NM_001406716.1, NM_001406717.1); short protein forms H144Q.
Identifiers: ClinVar variation 2179036 (VCV002179036.4), dbSNP rs2505760942, ClinGen allele CA392446452.

ClinVar aggregate classification (germline): Uncertain significance (1 of 4 stars; one submission).

Conditions:
Familial thoracic aortic aneurysm and aortic dissection (TAAD). Also called: Thoracic aortic aneurysms and dissections. Identifiers: Orphanet 91387, MedGen C4707243, MONDO:0019625.
Marfan syndrome (MFS). Also called: MARFAN SYNDROME, TYPE I; Marfan syndrome type 1; Marfan's syndrome; Marfan syndrome, classic; FBN1-Related Marfan Syndrome. Identifiers: Orphanet 284963, Orphanet 558, MedGen C0024796, MONDO:0007947, OMIM 154700.

Submission:

Labcorp Genetics (formerly Invitae), Labcorp
Classification: Uncertain significance for Marfan syndrome; Familial thoracic aortic aneurysm and aortic dissection. Last evaluated: 2023-11-27. Review status: criteria provided, single submitter. Criteria: Invitae Variant Classification Sherloc (09022015). Collection method: clinical testing. Allele origin: germline.
Comment: This sequence change replaces histidine, which is basic and polar, with glutamine, which is neutral and polar, at codon 144 of the FBN1 protein (p.His144Gln). This variant is not present in population databases (gnomAD no frequency). This variant has not been reported in the literature in individuals affected with FBN1-related conditions. ClinVar contains an entry for this variant (Variation ID: 2179036). Advanced modeling of protein sequence and biophysical properties (such as structural, functional, and spatial information, amino acid conservation, physicochemical variation, residue mobility, and thermodynamic stability) performed at Invitae indicates that this missense variant is not expected to disrupt FBN1 protein function with a negative predictive value of 95%. In summary, the available evidence is currently insufficient to determine the role of this variant in disease. Therefore, it has been classified as a Variant of Uncertain Significance.